The following is an entry in ClinVar:

NM_133642.5(LARGE1):c.2219G>A (p.Arg740His)

Gene: LARGE1 (LARGE xylosyl- and glucuronyltransferase 1; minus strand). Cytogenetic location: 22q12.3.
Variant type: single nucleotide variant.
Coding change: c.2219G>A on transcript NM_133642.5 (MANE Select); coding-DNA position 2219, G replaced by A.
Protein change: p.Arg740His; replaces arginine 740 with histidine.
Molecular consequence: missense variant.
Genome position (GRCh38, 1-based): chr22:33,274,479, C>T on the plus strand (G>A on the coding strand, the complement: LARGE1 is on the minus strand). VCF-style: chr22-33274479-C-T. GRCh37 (hg19) VCF-style: chr22-33670465-C-T.
Other names: c.2219G>A, p.Arg740His (NM_001362949.2, NM_001362951.2, NM_001362953.2 and 4 more transcripts); c.2072G>A, p.Arg691His (NM_001378627.1, NM_001378628.1); c.2063G>A, p.Arg688His (NM_001378629.1); c.1616G>A, p.Arg539His (NM_001378630.1); c.1313G>A, p.Arg438His (NM_001378631.1); short protein forms R438H, R539H, R688H, R691H, R740H.
Identifiers: ClinVar variation 2416427 (VCV002416427.5), dbSNP rs1416131384, ClinGen allele CA411542285.

ClinVar aggregate classification (germline): Uncertain significance (1 of 4 stars; one submission).

Conditions:
Muscular dystrophy-dystroglycanopathy type B6 (MDDGB6). Also called: MUSCULAR DYSTROPHY-DYSTROGLYCANOPATHY (CONGENITAL WITH IMPAIRED INTELLECTUAL DEVELOPMENT), TYPE B, 6; MUSCULAR DYSTROPHY, CONGENITAL, LARGE-RELATED; MUSCULAR DYSTROPHY, CONGENITAL, TYPE 1D. Identifiers: MedGen C1837229, MONDO:0012138, OMIM 608840.

Allele frequency attached by ClinVar (database versions not stated): TOPMed below 0.00001.
gnomAD v4.1: 1 of 1,614,114 alleles (0.000062%); highest among the groups gnomAD compares: Non-Finnish European, 0.000085%; no homozygotes.

Submission:

Labcorp Genetics (formerly Invitae), Labcorp
Classification: Uncertain significance for Muscular dystrophy-dystroglycanopathy type B6. Last evaluated: 2021-12-23. Review status: criteria provided, single submitter. Criteria: Invitae Variant Classification Sherloc (09022015). Collection method: clinical testing. Allele origin: germline.
Comment: This sequence change replaces arginine, which is basic and polar, with histidine, which is basic and polar, at codon 740 of the LARGE1 protein (p.Arg740His). This variant is not present in population databases (gnomAD no frequency). This variant has not been reported in the literature in individuals affected with LARGE1-related conditions. Algorithms developed to predict the effect of missense changes on protein structure and function are either unavailable or do not agree on the potential impact of this missense change (SIFT: "Deleterious"; PolyPhen-2: "Probably Damaging"; Align-GVGD: "Class C0"). In summary, the available evidence is currently insufficient to determine the role of this variant in disease. Therefore, it has been classified as a Variant of Uncertain Significance.